The following is an entry in ClinVar:

ClinVar aggregate classification (germline): Likely benign. Review status: criteria provided, multiple submitters, no conflicts (2 of 4 stars). 3 submissions from 3 submitters: Likely benign (3). Last evaluated 2025-12-19.

Conditions:
Wilson disease (WND). Also called: Wilson's disease. Identifiers: Orphanet 905, MedGen C0019202, MONDO:0010200, OMIM 277900. Disease mechanism: loss of function.

Allele frequency attached by ClinVar (database versions not stated): gnomAD exomes 0.00002.
gnomAD v4.1: 19 of 1,614,132 alleles (0.0012%); highest among the groups gnomAD compares: East Asian, 0.042%; no homozygotes.

Submissions (3):

Labcorp Genetics (formerly Invitae), Labcorp
Classification: Likely benign for Wilson disease. Last evaluated: 2025-12-19. Review status: criteria provided, single submitter. Criteria: Invitae Variant Classification Sherloc (09022015). Collection method: clinical testing. Allele origin: germline.

All of Us Research Program, National Institutes of Health
Classification: Likely benign for Wilson disease. Last evaluated: 2023-09-17. Review status: criteria provided, single submitter. Criteria: ACMG Guidelines, 2015. Collection method: clinical testing. Allele origin: germline. Inheritance: Autosomal recessive inheritance. Observed: 1 variant allele, 1 heterozygote.
Comment: This study involves interpretation of variants in research participants for the purpose of population health screening. Participant phenotype was not available at the time of variant classification. Additional details can be found in publication PMID: 35346344, PMCID: PMC8962531

Color Diagnostics, LLC DBA Color Health
Classification: Likely benign for Wilson disease. Last evaluated: 2023-09-06. Review status: criteria provided, single submitter. Criteria: ACMG Guidelines, 2015. Collection method: clinical testing. Allele origin: germline.

NM_000053.4(ATP7B):c.3130C>T (p.Leu1044=)

Gene: ATP7B (ATPase copper transporting beta; minus strand). Cytogenetic location: 13q14.3.
Variant type: single nucleotide variant.
Coding change: c.3130C>T on transcript NM_000053.4 (MANE Select); coding-DNA position 3130, C replaced by T.
Protein change: p.Leu1044=; no amino-acid change (leucine 1044 retained).
Molecular consequence: synonymous variant.
Genome position (GRCh38, 1-based): chr13:51,944,222, G>A on the plus strand (C>T on the coding strand, the complement: ATP7B is on the minus strand). VCF-style: chr13-51944222-G-A. GRCh37 (hg19) VCF-style: chr13-52518358-G-A.
Other names: c.2509C>T, p.Leu837= (NM_001005918.3); c.2797C>T, p.Leu933= (NM_001243182.2); c.2896C>T, p.Leu966= (NM_001330578.2); c.2878C>T, p.Leu960= (NM_001330579.2).
Identifiers: ClinVar variation 1154026 (VCV001154026.10), dbSNP rs1322680211, ClinGen allele CA483894728.
Genomic context (GRCh38, chr13:51,944,222, plus strand): 5'-CCGCAGTCCCCACCACAGCCAGAACCTTCCTGAGGGGCAGTGTGGCCACATCCCCCAGCA[G>A]GAGCACCCGCATGACCCTGGGGACGCCATGGGTAATGGTGCCAGTCTTGTCAAACATCAC-3'
Protein context (NP_000044.2, residues 1034-1054): HGVPRVMRVL[Leu1044=]LGDVATLPLR